The following is an entry in ClinVar:

NM_001163435.3(TBCK):c.2006G>A (p.Arg669Gln)

Gene: TBCK (TBC1 domain containing kinase; minus strand). Cytogenetic location: 4q24.
Variant type: single nucleotide variant.
Coding change: c.2006G>A on transcript NM_001163435.3 (MANE Select); coding-DNA position 2006, G replaced by A.
Protein change: p.Arg669Gln; replaces arginine 669 with glutamine.
Molecular consequence: missense variant.
Genome position (GRCh38, 1-based): chr4:106,193,662, C>T on the plus strand (G>A on the coding strand, the complement: TBCK is on the minus strand). VCF-style: chr4-106193662-C-T. GRCh37 (hg19) VCF-style: chr4-107114819-C-T.
Other names: c.2006G>A, p.Arg669Gln (NM_001163436.4); c.1889G>A, p.Arg630Gln (NM_001163437.3); c.1490G>A, p.Arg497Gln (NM_001290768.2); c.1817G>A, p.Arg606Gln (NM_033115.5); short protein forms R497Q, R606Q, R669Q, R630Q.
Identifiers: ClinVar variation 1505411 (VCV001505411.3), dbSNP rs186168951, ClinGen allele CA3034832.

ClinVar aggregate classification (germline): Uncertain significance (1 of 4 stars; one submission).

Allele frequency attached by ClinVar (database versions not stated): gnomAD 0.00001; ExAC 0.00002; gnomAD exomes 0.00002 and 0.00003; TOPMed 0.00002; 1000 Genomes Project 30x 0.00016; 1000 Genomes Project 0.00020.
gnomAD v4.1: 26 of 1,613,426 alleles (0.0016%); highest among the groups gnomAD compares: African/African-American, 0.0027%; no homozygotes.

Submission:

Labcorp Genetics (formerly Invitae), Labcorp
Classification: Uncertain significance. Last evaluated: 2021-12-03. Review status: criteria provided, single submitter. Criteria: Invitae Variant Classification Sherloc (09022015). Collection method: clinical testing. Allele origin: germline.
Comment: This sequence change replaces arginine, which is basic and polar, with glutamine, which is neutral and polar, at codon 669 of the TBCK protein (p.Arg669Gln). This variant is present in population databases (rs186168951, gnomAD 0.008%). This variant has not been reported in the literature in individuals affected with TBCK-related conditions. Algorithms developed to predict the effect of missense changes on protein structure and function (SIFT, PolyPhen-2, Align-GVGD) all suggest that this variant is likely to be tolerated. In summary, the available evidence is currently insufficient to determine the role of this variant in disease. Therefore, it has been classified as a Variant of Uncertain Significance.